The following is an entry in ClinVar:

NM_000448.3(RAG1):c.1359G>T (p.Glu453Asp)

Gene: RAG1 (recombination activating 1; plus strand). Cytogenetic location: 11p12.
Variant type: single nucleotide variant.
Coding change: c.1359G>T on transcript NM_000448.3 (MANE Select); coding-DNA position 1359, G replaced by T.
Protein change: p.Glu453Asp; replaces glutamic acid 453 with aspartic acid.
Molecular consequence: missense variant.
Genome position (GRCh38, 1-based): chr11:36,574,663, G>T. VCF-style: chr11-36574663-G-T. GRCh37 (hg19) VCF-style: chr11-36596213-G-T.
Other names: c.1359G>T, p.Glu453Asp (NM_001377277.1, NM_001377278.1, NM_001377279.1 and 1 more transcripts); short protein forms E453D.
Identifiers: ClinVar variation 1460791 (VCV001460791.8), dbSNP rs1178216516, ClinGen allele CA380152350.
Genomic context (GRCh38, chr11:36,574,663, plus strand): 5'-GTGCATGACCTTGTTCCTGCTGGCTCTGAGGGCGAGGAATGAGCACAGGCAAGCTGATGA[G>T]CTGGAGGCCATCATGCAGGGAAAGGGCTCTGGCCTGCAGCCAGCTGTTTGCTTGGCCATC-3'
Protein context (NP_000439.2, residues 443-463): RARNEHRQAD[Glu453Asp]LEAIMQGKGS

ClinVar aggregate classification (germline): Uncertain significance (1 of 4 stars; one submission).

Conditions:
Severe combined immunodeficiency, autosomal recessive, T cell-negative, B cell-negative, NK cell-positive. Also called: Severe combined immunodeficiency due to complete RAG1/2 deficiency; SCID, T CELL-NEGATIVE, B CELL-NEGATIVE, NK CELL-POSITIVE; SCID, AR, T-cell negative, B-cell negative, NK cell-positive. Identifiers: Orphanet 331206, MedGen C1832322, MONDO:0011086, OMIM 601457.
Combined immunodeficiency with skin granulomas. Identifiers: Orphanet 157949, MedGen C2673536, MONDO:0009306, OMIM 233650.

Allele frequency attached by ClinVar (database versions not stated): gnomAD exomes below 0.00001; TOPMed below 0.00001.
gnomAD v4.1: 2 of 1,614,212 alleles (0.00012%); highest among the groups gnomAD compares: Admixed American, 0.0033%; no homozygotes.

Submission:

Labcorp Genetics (formerly Invitae), Labcorp
Classification: Uncertain significance for Combined immunodeficiency with skin granulomas; Severe combined immunodeficiency, autosomal recessive, T cell-negative, B cell-negative, NK cell-positive. Last evaluated: 2021-05-06. Review status: criteria provided, single submitter. Criteria: Invitae Variant Classification Sherloc (09022015). Collection method: clinical testing. Allele origin: germline.
Comment: This sequence change replaces glutamic acid with aspartic acid at codon 453 of the RAG1 protein (p.Glu453Asp). The glutamic acid residue is highly conserved and there is a small physicochemical difference between glutamic acid and aspartic acid. This variant is not present in population databases (ExAC no frequency). This variant has not been reported in the literature in individuals with RAG1-related conditions. Algorithms developed to predict the effect of missense changes on protein structure and function are either unavailable or do not agree on the potential impact of this missense change (SIFT: "Deleterious"; PolyPhen-2: "Probably Damaging"; Align-GVGD: "Class C0"). In summary, the available evidence is currently insufficient to determine the role of this variant in disease. Therefore, it has been classified as a Variant of Uncertain Significance.